The following is an entry in ClinVar:

ClinVar aggregate classification (germline): Uncertain significance (1 of 4 stars; one submission).

Conditions:
Inborn genetic diseases. Identifiers: MedGen C0950123, MeSH D030342.

gnomAD v4.1: 3 of 1,614,022 alleles (0.00019%); highest among the groups gnomAD compares: African/African-American, 0.0027%; no homozygotes.

Submission:

Ambry Genetics
Classification: Uncertain significance for Inborn genetic diseases. Last evaluated: 2024-05-13. Review status: criteria provided, single submitter. Criteria: Ambry Variant Classification Scheme 2023. Collection method: clinical testing. Allele origin: germline.
Comment: The p.M84I variant (also known as c.252G>A), located in coding exon 2 of the MIB1 gene, results from a G to A substitution at nucleotide position 252. The methionine at codon 84 is replaced by isoleucine, an amino acid with highly similar properties. This amino acid position is conserved. In addition, this alteration is predicted to be deleterious by in silico analysis. Based on the available evidence, the clinical significance of this variant remains unclear.

NM_020774.4(MIB1):c.252G>A (p.Met84Ile)

Gene: MIB1 (MIB E3 ubiquitin protein ligase 1; plus strand). Cytogenetic location: 18q11.2.
Variant type: single nucleotide variant.
Coding change: c.252G>A on transcript NM_020774.4 (MANE Select); coding-DNA position 252, G replaced by A.
Protein change: p.Met84Ile; replaces methionine 84 with isoleucine.
Molecular consequence: missense variant.
Genome position (GRCh38, 1-based): chr18:21,765,794, G>A. VCF-style: chr18-21765794-G-A. GRCh37 (hg19) VCF-style: chr18-19345755-G-A.
Other names: short protein forms M84I.
Identifiers: ClinVar variation 3294705 (VCV003294705.1).
Genomic context (GRCh38, chr18:21,765,794, plus strand): 5'-TTTGTGATTAATCTGAGCATGTGTCCTTGTTTTAATAGGCATCAAGCATGATGGAACCAT[G>A]TGTGATACCTGCCGCCAGCAACCAATCATTGGCATTCGATGGAAGTGTGCAGAGTGTACA-3'
Protein context (NP_065825.1, residues 74-94): APTGIKHDGT[Met84Ile]CDTCRQQPII